The following is an entry in ClinVar:

NM_005045.4(RELN):c.3044A>G (p.Tyr1015Cys)

Gene: RELN (reelin; minus strand). Cytogenetic location: 7q22.1.
Variant type: single nucleotide variant.
Coding change: c.3044A>G on transcript NM_005045.4 (MANE Select); coding-DNA position 3044, A replaced by G.
Protein change: p.Tyr1015Cys; replaces tyrosine 1015 with cysteine.
Molecular consequence: missense variant.
Genome position (GRCh38, 1-based): chr7:103,604,448, T>C on the plus strand (A>G on the coding strand, the complement: RELN is on the minus strand). VCF-style: chr7-103604448-T-C. GRCh37 (hg19) VCF-style: chr7-103244895-T-C.
Other names: c.3044A>G, p.Tyr1015Cys (NM_173054.3); short protein forms Y1015C.
Identifiers: ClinVar variation 2099928 (VCV002099928.4), dbSNP rs1831765058, ClinGen allele CA368763865.

ClinVar aggregate classification (germline): Uncertain significance (1 of 4 stars; one submission).

Conditions:
Familial temporal lobe epilepsy 7. Identifiers: Orphanet 101046, MedGen C4225327, MONDO:0014639, OMIM 616436.
Norman-Roberts syndrome (LIS2). Also called: Lissencephaly 2 (Norman-Roberts type). Identifiers: Orphanet 89844, MedGen C0796089, MONDO:0009760, OMIM 257320.

Allele frequency attached by ClinVar (database versions not stated): gnomAD exomes below 0.00001; TOPMed below 0.00001.
gnomAD v4.1: 1 of 1,613,852 alleles (0.000062%); highest among the groups gnomAD compares: Non-Finnish European, 0.000085%; no homozygotes.

Submission:

Labcorp Genetics (formerly Invitae), Labcorp
Classification: Uncertain significance for Familial temporal lobe epilepsy 7; Norman-Roberts syndrome. Last evaluated: 2022-04-30. Review status: criteria provided, single submitter. Criteria: Invitae Variant Classification Sherloc (09022015). Collection method: clinical testing. Allele origin: germline.
Comment: In summary, the available evidence is currently insufficient to determine the role of this variant in disease. Therefore, it has been classified as a Variant of Uncertain Significance. Algorithms developed to predict the effect of missense changes on protein structure and function are either unavailable or do not agree on the potential impact of this missense change (SIFT: "Deleterious"; PolyPhen-2: "Probably Damaging"; Align-GVGD: "Class C0"). This variant has not been reported in the literature in individuals affected with RELN-related conditions. This variant is not present in population databases (gnomAD no frequency). This sequence change replaces tyrosine, which is neutral and polar, with cysteine, which is neutral and slightly polar, at codon 1015 of the RELN protein (p.Tyr1015Cys).